The following is an entry in ClinVar:

ClinVar aggregate classification (germline): Uncertain significance. Review status: criteria provided, multiple submitters, no conflicts (2 of 4 stars). 3 submissions from 3 submitters: Uncertain significance (3). Last evaluated 2025-10-06.

Conditions:
Arrhythmogenic right ventricular dysplasia 5. Also called: Arrhythmogenic Right Ventricular Dysplasia/Cardiomyopathy 5; ARRHYTHMOGENIC RIGHT VENTRICULAR DYSPLASIA, FAMILIAL, 5. Identifiers: MedGen C1858379, MONDO:0011459, OMIM 604400.

Submissions (3):

Women's Health and Genetics/Laboratory Corporation of America, LabCorp
Classification: Uncertain significance. Last evaluated: 2025-10-06. Review status: criteria provided, single submitter. Criteria: LabCorp Variant Classification Summary - May 2015. Collection method: clinical testing. Allele origin: germline.
Comment: Variant summary: TMEM43 c.255_256dupAG (p.Gly86GlufsX29) results in a premature termination codon, predicted to cause a truncation of the encoded protein or absence of the protein due to nonsense mediated decay, however current evidence is not sufficient to establish loss of function as a mechanism for disease. The variant was absent in 250700 control chromosomes. The available data on variant occurrences in the general population are insufficient to allow any conclusion about variant significance. To our knowledge, no occurrence of c.255_256dupAG in individuals affected with TMEM43-related conditions and no experimental evidence demonstrating its impact on protein function have been reported. ClinVar contains an entry for this variant (Variation ID: 3647879). Based on the evidence outlined above, the variant was classified as uncertain significance.

Labcorp Genetics (formerly Invitae), Labcorp
Classification: Uncertain significance for Arrhythmogenic right ventricular dysplasia 5. Last evaluated: 2024-08-05. Review status: criteria provided, single submitter. Criteria: Invitae Variant Classification Sherloc (09022015). Collection method: clinical testing. Allele origin: germline.
Comment: This sequence change creates a premature translational stop signal (p.Gly86Glufs*29) in the TMEM43 gene. It is expected to result in an absent or disrupted protein product. However, the current clinical and genetic evidence is not sufficient to establish whether loss-of-function variants in TMEM43 cause disease. This variant is not present in population databases (gnomAD no frequency). This variant has not been reported in the literature in individuals affected with TMEM43-related conditions. In summary, the available evidence is currently insufficient to determine the role of this variant in disease. Therefore, it has been classified as a Variant of Uncertain Significance.

Blueprint Genetics
Classification: Uncertain significance. Last evaluated: 2022-08-03. Review status: criteria provided, single submitter. Criteria: ACMG Guidelines, 2015. Collection method: clinical testing. Allele origin: germline.

NM_024334.3(TMEM43):c.255_256dup (p.Gly86fs)

Gene: TMEM43 (transmembrane protein 43; plus strand). Cytogenetic location: 3p25.1.
Variant type: Duplication.
Coding change: c.255_256dup on transcript NM_024334.3 (MANE Select); coding-DNA positions 255 to 256, 2 bases duplicated (AG; older notation c.255_256dupAG).
Protein change: p.Gly86fs; shifts the reading frame from glycine 86.
Molecular consequence: frameshift variant.
Genome position (GRCh38, 1-based): chr3:14,130,914-14,130,915, AG duplicated. VCF-style (leftmost placement, unchanged base first): chr3-14130913-A-AAG. GRCh37 (hg19) VCF-style: chr3-14172413-A-AAG.
Other names: c.255_256dup, p.Gly86fs (NM_001407274.1, NM_001407275.1, NM_001407276.1 and 2 more transcripts); c.240_241dup, p.Gly81fs (NM_001407278.1); c.105_106dup, p.Gly36fs (NM_001407280.1); c.255_256dupAG (NM_024334.3); short protein forms G81fs, G36fs, G86fs.
Identifiers: ClinVar variation 3647879 (VCV003647879.4).